The following is an entry in ClinVar:

NM_006662.3(SRCAP):c.2769C>T (p.Phe923=)

Gene: SRCAP (Snf2 related CREBBP activator protein; plus strand). Cytogenetic location: 16p11.2.
Variant type: single nucleotide variant.
Coding change: c.2769C>T on transcript NM_006662.3 (MANE Select); coding-DNA position 2769, C replaced by T.
Protein change: p.Phe923=; no amino-acid change (phenylalanine 923 retained).
Molecular consequence: synonymous variant.
Genome position (GRCh38, 1-based): chr16:30,716,431, C>T. VCF-style: chr16-30716431-C-T. GRCh37 (hg19) VCF-style: chr16-30727752-C-T.
Identifiers: ClinVar variation 3234389 (VCV003234389.20), dbSNP rs1485801425, ClinGen allele CA494908290.

ClinVar aggregate classification (germline): Likely benign (1 of 4 stars; one submission).

Allele frequency attached by ClinVar (database versions not stated): gnomAD exomes below 0.00001.
gnomAD v4.1: 3 of 1,614,230 alleles (0.00019%); highest among the groups gnomAD compares: African/African-American, 0.0027%; no homozygotes.

Submission:

CeGaT Center for Human Genetics Tuebingen
Classification: Likely benign. Last evaluated: 2024-03-01. Review status: criteria provided, single submitter. Criteria: CeGaT Center For Human Genetics Tuebingen Variant Classification Criteria Version 2. Collection method: clinical testing. Allele origin: germline. Affected: yes. Observed: 1 variant allele.
Comment: SRCAP: BP4, BP7